The following is an entry in ClinVar:

NM_000384.3(APOB):c.9546_9547del (p.His3182fs)

Gene: APOB (apolipoprotein B; minus strand). Cytogenetic location: 2p24.1.
Variant type: Microsatellite.
Coding change: c.9546_9547del on transcript NM_000384.3 (MANE Select); coding-DNA positions 9546 to 9547, 2 bases deleted (CA; older notation c.9546_9547delCA).
Protein change: p.His3182fs; shifts the reading frame from histidine 3182.
Molecular consequence: frameshift variant.
Genome position (GRCh38, 1-based): chr2:21,007,321-21,007,322, TG deleted on the plus strand (CA on the coding strand, the reverse complement: APOB is on the minus strand); deleting any 2 consecutive bases within chr2:21,007,321-21,007,325 gives the same sequence; the c. name uses the placement nearest the transcript's 3' end. VCF-style (leftmost placement, unchanged base first): chr2-21007320-CTG-C. GRCh37 (hg19) VCF-style: chr2-21230192-CTG-C.
Other names: short protein forms H3182fs.
Identifiers: ClinVar variation 3763156 (VCV003763156.2).

ClinVar aggregate classification (germline): Pathogenic (1 of 4 stars; one submission).

Conditions:
Familial hypobetalipoproteinemia 1. Also called: Hypobetalipoproteinemia, normotriglyceridemic; Acanthocytosis with hypobetalipoproteinemia; APOB-Related Familial Hypobetalipoproteinemia. Identifiers: MedGen C4551990, MONDO:0014252, OMIM 615558.
Hypercholesterolemia, autosomal dominant, type B (FHCL2). Also called: APOB-Related Familial Hypercholesterolemia, Autosomal Dominant; Familial Hypercholesterolemia Type B; APOLIPOPROTEIN B-100, FAMILIAL DEFECTIVE; APOLIPOPROTEIN B-100, FAMILIAL LIGAND-DEFECTIVE; HYPERCHOLESTEROLEMIA, FAMILIAL, DUE TO LIGAND-DEFECTIVE APOLIPOPROTEIN B; Familial hypercholesterolemia 2. Identifiers: MedGen C1704417, MONDO:0007751, OMIM 144010.

Submission:

Labcorp Genetics (formerly Invitae), Labcorp
Classification: Pathogenic for Familial hypobetalipoproteinemia 1; Hypercholesterolemia, autosomal dominant, type B. Last evaluated: 2024-06-24. Review status: criteria provided, single submitter. Criteria: Invitae Variant Classification Sherloc (09022015). Collection method: clinical testing. Allele origin: germline.
Comment: This sequence change creates a premature translational stop signal (p.His3182Glnfs*13) in the APOB gene. It is expected to result in an absent or disrupted protein product. Loss-of-function variants in APOB are known to be pathogenic (PMID: 20032471). This variant is not present in population databases (gnomAD no frequency). This variant has not been reported in the literature in individuals affected with APOB-related conditions. For these reasons, this variant has been classified as Pathogenic.

Literature cited by the submitters: PubMed 20032471.